The following is an entry in ClinVar:

ClinVar aggregate classification (germline): Uncertain significance (1 of 4 stars; one submission).

Conditions:
Hereditary spastic paraplegia 6 (SPG6). Also called: SPASTIC PARAPLEGIA 6, AUTOSOMAL DOMINANT. Identifiers: Orphanet 100988, MedGen C1838192, MONDO:0010878, OMIM 600363.

Submission:

Labcorp Genetics (formerly Invitae), Labcorp
Classification: Uncertain significance for Hereditary spastic paraplegia 6. Last evaluated: 2020-04-11. Review status: criteria provided, single submitter. Criteria: Invitae Variant Classification Sherloc (09022015). Collection method: clinical testing. Allele origin: germline.
Comment: In summary, the available evidence is currently insufficient to determine the role of this variant in disease. Therefore, it has been classified as a Variant of Uncertain Significance. This variant has not been reported in the literature in individuals with NIPA1-related conditions. This variant is a gross deletion of the genomic region encompassing exon(s) 4-5 of the NIPA1 gene. The 5' boundary is likely confined to intron 3. The 3' end of this event is unknown as it extends through the termination codon beyond the assayed region for this gene and may encompass additional genes. While this deletion is not anticipated to result in nonsense mediated decay, it is expected to create a truncated protein product or disrupt mRNA translation.

NC_000015.9:g.(?_23048829)_(23052755_?)del

Gene: NIPA1 (NIPA magnesium transporter 1; plus strand). Cytogenetic location: 15q11.2.
Variant type: Deletion.
Identifiers: ClinVar variation 1011950 (VCV001011950.6).